The following is an entry in ClinVar:

NM_003041.4(SLC5A2):c.1427T>C (p.Phe476Ser)

Gene: SLC5A2 (solute carrier family 5 member 2; plus strand). Cytogenetic location: 16p11.2.
Variant type: single nucleotide variant.
Coding change: c.1427T>C on transcript NM_003041.4 (MANE Select); coding-DNA position 1427, T replaced by C.
Protein change: p.Phe476Ser; replaces phenylalanine 476 with serine.
Molecular consequence: missense variant.
Genome position (GRCh38, 1-based): chr16:31,489,026, T>C. VCF-style: chr16-31489026-T-C. GRCh37 (hg19) VCF-style: chr16-31500347-T-C.
Other names: short protein forms F476S.
Identifiers: ClinVar variation 5020810 (VCV005020810.1).
Genomic context (GRCh38, chr16:31,489,026, plus strand): 5'-TCCAGGCAGTCTCTAGCTACCTGGCACCGCCCGTGTCCGCCGTCTTCGTGCTGGCGCTCT[T>C]CGTGCCGCGCGTTAATGAGCAGGTGAGCGGCACGCGCGTGGTGACGGCAGGGCTGGGCTT-3'
Protein context (NP_003032.1, residues 466-486): PVSAVFVLAL[Phe476Ser]VPRVNEQGAF

ClinVar aggregate classification (germline): Uncertain significance (1 of 4 stars; one submission).

gnomAD v4.1: 1 of 1,600,654 alleles (0.000062%); highest among the groups gnomAD compares: African/African-American, 0.0013%; no homozygotes.

Submission:

Dasa
Classification: Uncertain significance. Last evaluated: 2026-08-03. Review status: criteria provided, single submitter. Criteria: DASA Assertion Criteria. Collection method: clinical testing. Allele origin: germline.
Comment: NM_003041.4(SLC5A2):c.1427T>C (p.Phe476Ser) is a missense variant that results in the substitution of phenylalanine with serine. This variant is rare in population databases. Computational prediction algorithms are consistent with a deleterious effect. The currently available literature and clinical evidence are not sufficient to establish a definitive association between this variant and the reported condition. Therefore, this variant is classified as a variant of uncertain significance.